The following is an entry in ClinVar:

NM_001793.6(CDH3):c.33CCT[1] (p.Leu14del)

Genes: CDH3 (cadherin 3; plus strand), CDH3-AS1 (CDH3 antisense RNA 1; minus strand). Cytogenetic location: 16q22.1.
Variant type: Microsatellite.
Coding change: c.33CCT[1] on transcript NM_001793.6 (MANE Select); one copy of the 3-base unit CCT starting at c.33; the reference has two copies in a row; one copy, 3 bases deleted.
Protein change: p.Leu14del; deletes leucine 14.
Molecular consequence: inframe deletion. On other transcripts: 5 prime UTR variant (1).
Genome position (GRCh38, 1-based): chr16:68,645,415-68,645,417, CCT deleted; deleting any 3 consecutive bases within chr16:68,645,410-68,645,417 gives the same sequence; the position shown is the placement nearest the transcript's 3' end. VCF-style (leftmost placement, unchanged base first): chr16-68645409-TCTC-T. GRCh37 (hg19) VCF-style: chr16-68679312-TCTC-T.
Other names: c.33CCT[1], p.Leu14del (NM_001317195.3); c.-18CCT[1] (NM_001317196.2); short protein forms L14del.
Identifiers: ClinVar variation 1445419 (VCV001445419.5), dbSNP rs766820499, ClinGen allele CA8128901.

ClinVar aggregate classification (germline): Uncertain significance. Review status: criteria provided, multiple submitters, no conflicts (2 of 4 stars). 2 submissions from 2 submitters: Uncertain significance (2). Last evaluated 2025-03-17.

Submissions (2):

Labcorp Genetics (formerly Invitae), Labcorp
Classification: Uncertain significance. Last evaluated: 2025-03-17. Review status: criteria provided, single submitter. Criteria: Invitae Variant Classification Sherloc (09022015). Collection method: clinical testing. Allele origin: germline.
Comment: This variant, c.36_38del, results in the deletion of 1 amino acid(s) of the CDH3 protein (p.Leu14del), but otherwise preserves the integrity of the reading frame. This variant is present in population databases (rs766820499, gnomAD 0.02%). This variant has not been reported in the literature in individuals affected with CDH3-related conditions. Experimental studies and prediction algorithms are not available or were not evaluated, and the functional significance of this variant is currently unknown. In summary, the available evidence is currently insufficient to determine the role of this variant in disease. Therefore, it has been classified as a Variant of Uncertain Significance.

Blueprint Genetics
Classification: Uncertain significance. Last evaluated: 2024-04-12. Review status: criteria provided, single submitter. Criteria: ACMG Guidelines, 2015. Collection method: clinical testing. Allele origin: germline.